The following is an entry in ClinVar:

ClinVar aggregate classification (germline): Uncertain significance. Review status: criteria provided, multiple submitters, no conflicts (2 of 4 stars). 2 submissions from 2 submitters: Uncertain significance (2). Last evaluated 2023-09-22.

Conditions:
Autosomal recessive ataxia, Beauce type. Also called: SYNE1-Related Autosomal Recessive Cerebellar Ataxia; SYNE1 Deficiency; Spinocerebellar ataxia, autosomal recessive 8; ATAXIA, RECESSIVE, OF BEAUCE. Identifiers: Orphanet 88644, MedGen C1853116, MONDO:0012549, OMIM 610743.
Charcot-Marie-Tooth disease type 1E. Also called: Charcot-Marie-Tooth disease and deafness; Charcot-Marie-Tooth Neuropathy Type 1E; CHARCOT-MARIE-TOOTH DISEASE, DEMYELINATING, TYPE 1E; CHARCOT-MARIE-TOOTH NEUROPATHY AND DEAFNESS, AUTOSOMAL DOMINANT. Identifiers: Orphanet 90658, MedGen C3495591, MONDO:0007311, OMIM 118300.
Hereditary liability to pressure palsies (HNPP). Also called: POLYNEUROPATHY, FAMILIAL RECURRENT; TOMACULOUS NEUROPATHY; Hereditary Neuropathy with Liability to Pressure Palsies. Identifiers: Orphanet 640, MedGen C0393814, MONDO:0008087, OMIM 162500.
Emery-Dreifuss muscular dystrophy 4, autosomal dominant (EDMD4). Also called: EMERY-DREIFUSS MUSCULAR DYSTROPHY 4 WITH VARIABLE FEATURES. Identifiers: Orphanet 261, MedGen C2751807, MONDO:0013071, OMIM 612998.

gnomAD v4.1: 2 of 1,614,170 alleles (0.00012%); highest among the groups gnomAD compares: Non-Finnish European, 0.000085%; no homozygotes.

Submissions (2):

Women's Health and Genetics/Laboratory Corporation of America, LabCorp
Classification: Uncertain significance. Last evaluated: 2023-09-22. Review status: criteria provided, single submitter. Criteria: LabCorp Variant Classification Summary - May 2015. Collection method: clinical testing. Allele origin: germline.
Comment: Variant summary: SYNE1 c.13612C>A (p.Leu4538Ile) results in a conservative amino acid change in the encoded protein sequence. Three of five in-silico tools predict a damaging effect of the variant on protein function. The variant was absent in 251388 control chromosomes (gnomAD). The available data on variant occurrences in the general population are insufficient to allow any conclusion about variant significance. To our knowledge, no occurrence of c.13612C>A in individuals affected with Emery-Dreifuss Muscular Dystrophy and no experimental evidence demonstrating its impact on protein function have been reported. One submitter has cited a clinical-significance assessment for this variant to ClinVar after 2014 and has classified the variant as uncertain significance. Based on the evidence outlined above, the variant was classified as uncertain significance.

Labcorp Genetics (formerly Invitae), Labcorp
Classification: Uncertain significance for Emery-Dreifuss muscular dystrophy 4, autosomal dominant; Autosomal recessive ataxia, Beauce type. Last evaluated: 2021-12-03. Review status: criteria provided, single submitter. Criteria: Invitae Variant Classification Sherloc (09022015). Collection method: clinical testing. Allele origin: germline.
Comment: In summary, the available evidence is currently insufficient to determine the role of this variant in disease. Therefore, it has been classified as a Variant of Uncertain Significance. Algorithms developed to predict the effect of missense changes on protein structure and function are either unavailable or do not agree on the potential impact of this missense change (SIFT: "Deleterious"; PolyPhen-2: "Possibly Damaging"; Align-GVGD: "Class C0"). This variant has not been reported in the literature in individuals affected with SYNE1-related conditions. This variant is not present in population databases (gnomAD no frequency). This sequence change replaces leucine, which is neutral and non-polar, with isoleucine, which is neutral and non-polar, at codon 4538 of the SYNE1 protein (p.Leu4538Ile).

NM_182961.4(SYNE1):c.13825C>A (p.Leu4609Ile)

Gene: SYNE1 (spectrin repeat containing nuclear envelope protein 1; minus strand). Cytogenetic location: 6q25.2.
Variant type: single nucleotide variant.
Coding change: c.13825C>A on transcript NM_182961.4 (MANE Select); coding-DNA position 13825, C replaced by A.
Protein change: p.Leu4609Ile; replaces leucine 4609 with isoleucine.
Molecular consequence: missense variant.
Genome position (GRCh38, 1-based): chr6:152,330,860, G>T on the plus strand (C>A on the coding strand, the complement: SYNE1 is on the minus strand). VCF-style: chr6-152330860-G-T. GRCh37 (hg19) VCF-style: chr6-152651995-G-T.
Other names: c.13612C>A, p.Leu4538Ile (NM_033071.5); c.13612C>A (NM_033071.3); short protein forms L4609I, L4538I.
Identifiers: ClinVar variation 1346244 (VCV001346244.9), dbSNP rs2153972296, ClinGen allele CA366099711.